The following is an entry in ClinVar:

ClinVar aggregate classification (germline): Uncertain significance (1 of 4 stars; one submission).

Submission:

GeneDx
Classification: Uncertain significance. Last evaluated: 2026-04-08. Review status: criteria provided, single submitter. Criteria: GeneDx Variant Classification Process June 2021. Collection method: clinical testing. Allele origin: germline.
Comment: Not observed at significant frequency in large population cohorts (gnomAD); In silico analysis supports that this missense variant has a deleterious effect on protein structure/function; Has not been previously published as pathogenic or benign to our knowledge

NM_000937.5(POLR2A):c.4600A>C (p.Ser1534Arg)

Gene: POLR2A (RNA polymerase II subunit A; plus strand). Cytogenetic location: 17p13.1.
Variant type: single nucleotide variant.
Coding change: c.4600A>C on transcript NM_000937.5 (MANE Select); coding-DNA position 4600, A replaced by C.
Protein change: p.Ser1534Arg; replaces serine 1534 with arginine.
Molecular consequence: missense variant.
Genome position (GRCh38, 1-based): chr17:7,512,584, A>C. VCF-style: chr17-7512584-A-C. GRCh37 (hg19) VCF-style: chr17-7415903-A-C.
Other names: short protein forms S1534R.
Identifiers: ClinVar variation 5018343 (VCV005018343.1).